The following is an entry in ClinVar:

NM_025099.6(CTC1):c.3012-1_3013delinsAG

Gene: CTC1 (CST telomere replication complex component 1; minus strand). Cytogenetic location: 17p13.1.
Variant type: Indel.
Coding change: c.3012-1_3013delinsAG on transcript NM_025099.6 (MANE Select); the canonical splice acceptor site of the intron before coding-DNA position 3012 through coding-DNA position 3013, GCA replaced by AG.
Molecular consequence: splice acceptor variant.
Genome position (GRCh38, 1-based): chr17:8,229,445-8,229,447, TGC replaced by CT on the plus strand (GCA replaced by AG on the coding strand, the reverse complement: CTC1 is on the minus strand). VCF-style: chr17-8229445-TGC-CT. GRCh37 (hg19) VCF-style: chr17-8132763-TGC-CT.
Other names: c.3012-1_3013delinsAG (NM_001411067.1).
Identifiers: ClinVar variation 4282435 (VCV004282435.1).
Genomic context (GRCh38, chr17:8,229,445, plus strand): 5'-CCTGGAATGGGGACTGACCACCCTGCAGAAGTTCAGCCAGGTAGATGTGGGGCAGGGGAA[TGC>CT]TAAATAAATACAGGGAGACAGAGACAGGGGTCAAGATAACAGAACAGGCAAAGGGGTTCT-3'

ClinVar aggregate classification (germline): Likely pathogenic (1 of 4 stars; one submission).

Submission:

GeneDx
Classification: Likely pathogenic. Last evaluated: 2025-04-08. Review status: criteria provided, single submitter. Criteria: GeneDx Variant Classification Process June 2021. Collection method: clinical testing. Allele origin: germline. Affected: yes.
Comment: Canonical splice site variant predicted to result in a null allele in a gene for which loss of function is a known mechanism of disease; Not observed at significant frequency in large population cohorts (gnomAD); Has not been previously published as pathogenic or benign to our knowledge